The following is an entry in ClinVar:

ClinVar aggregate classification (germline): Uncertain significance (1 of 4 stars; one submission).

Submission:

Labcorp Genetics (formerly Invitae), Labcorp
Classification: Uncertain significance. Last evaluated: 2022-04-24. Review status: criteria provided, single submitter. Criteria: Invitae Variant Classification Sherloc (09022015). Collection method: clinical testing. Allele origin: germline.
Comment: This sequence change falls in intron 17 of the ABCA4 gene. It does not directly change the encoded amino acid sequence of the ABCA4 protein. It affects a nucleotide within the consensus splice site. This variant is not present in population databases (gnomAD no frequency). This variant has not been reported in the literature in individuals affected with ABCA4-related conditions. Variants that disrupt the consensus splice site are a relatively common cause of aberrant splicing (PMID: 17576681, 9536098). Algorithms developed to predict the effect of sequence changes on RNA splicing suggest that this variant may disrupt the consensus splice site. In summary, the available evidence is currently insufficient to determine the role of this variant in disease. Therefore, it has been classified as a Variant of Uncertain Significance.

Literature cited by the submitters: PubMed 17576681; PubMed 9536098.

NM_000350.3(ABCA4):c.2654-3C>A

Gene: ABCA4 (ATP binding cassette subfamily A member 4; minus strand). Cytogenetic location: 1p22.1.
Variant type: single nucleotide variant.
Coding change: c.2654-3C>A on transcript NM_000350.3 (MANE Select); 3 bases into the intron before coding-DNA position 2654, C replaced by A.
Molecular consequence: intron variant.
Genome position (GRCh38, 1-based): chr1:94,048,960, G>T on the plus strand (C>A on the coding strand, the complement: ABCA4 is on the minus strand). VCF-style: chr1-94048960-G-T. GRCh37 (hg19) VCF-style: chr1-94514516-G-T.
Identifiers: ClinVar variation 2130384 (VCV002130384.1), dbSNP rs1660764058, ClinGen allele CA1004567894.